The following is an entry in ClinVar:

NM_020937.4(FANCM):c.4769T>C (p.Ile1590Thr)

Gene: FANCM (FA complementation group M; plus strand). Cytogenetic location: 14q21.2.
Variant type: single nucleotide variant.
Coding change: c.4769T>C on transcript NM_020937.4 (MANE Select); coding-DNA position 4769, T replaced by C.
Protein change: p.Ile1590Thr; replaces isoleucine 1590 with threonine.
Molecular consequence: missense variant.
Genome position (GRCh38, 1-based): chr14:45,187,877, T>C. VCF-style: chr14-45187877-T-C. GRCh37 (hg19) VCF-style: chr14-45657080-T-C.
Other names: c.4691T>C, p.Ile1564Thr (NM_001308133.2); short protein forms I1564T, I1590T.
Identifiers: ClinVar variation 3624191 (VCV003624191.2).

ClinVar aggregate classification (germline): Uncertain significance (1 of 4 stars; one submission).

Conditions:
Fanconi anemia (FA). Also called: Fanconi's anemia. Identifiers: Orphanet 84, MedGen C0015625, MeSH D005199, MONDO:0019391.

Submission:

Labcorp Genetics (formerly Invitae), Labcorp
Classification: Uncertain significance for Fanconi anemia. Last evaluated: 2024-04-02. Review status: criteria provided, single submitter. Criteria: Invitae Variant Classification Sherloc (09022015). Collection method: clinical testing. Allele origin: germline.
Comment: This sequence change replaces isoleucine, which is neutral and non-polar, with threonine, which is neutral and polar, at codon 1590 of the FANCM protein (p.Ile1590Thr). This variant is not present in population databases (gnomAD no frequency). This variant has not been reported in the literature in individuals affected with FANCM-related conditions. An algorithm developed to predict the effect of missense changes on protein structure and function (PolyPhen-2) suggests that this variant is likely to be disruptive. In summary, the available evidence is currently insufficient to determine the role of this variant in disease. Therefore, it has been classified as a Variant of Uncertain Significance.